The following is an entry in ClinVar:

NM_017780.4(CHD7):c.2707_2710del (p.His903fs)

Gene: CHD7 (chromodomain helicase DNA binding protein 7; plus strand). Cytogenetic location: 8q12.2.
Variant type: Deletion.
Coding change: c.2707_2710del on transcript NM_017780.4 (MANE Select); coding-DNA positions 2707 to 2710, 4 bases deleted (CACT; older notation c.2707_2710delCACT).
Protein change: p.His903fs; shifts the reading frame from histidine 903.
Molecular consequence: frameshift variant. On other transcripts: intron variant (1).
Genome position (GRCh38, 1-based): chr8:60,821,799-60,821,802, CACT deleted; deleting any 4 consecutive bases within chr8:60,821,796-60,821,802 gives the same sequence; the c. name uses the placement nearest the transcript's 3' end. VCF-style (leftmost placement, unchanged base first): chr8-60821795-GACTC-G. GRCh37 (hg19) VCF-style: chr8-61734354-GACTC-G.
Other names: c.1717-40430_1717-40427del (NM_001316690.1); short protein forms H903fs.
Identifiers: ClinVar variation 1072855 (VCV001072855.10), dbSNP rs2150748709, ClinGen allele CA2499219371.

ClinVar aggregate classification (germline): Pathogenic. Review status: criteria provided, multiple submitters, no conflicts (2 of 4 stars). 2 submissions from 2 submitters: Pathogenic (2). Last evaluated 2023-12-18.

Conditions:
CHARGE syndrome (CHARGE). Also called: Hittner Hirsch Kreh syndrome; CHARGE ASSOCIATION--COLOBOMA, HEART ANOMALY, CHOANAL ATRESIA, RETARDATION, GENITAL AND EAR ANOMALIES; Coloboma, heart anomaly, choanal atresia, retardation, genital and ear anomalies; CHARGE association; Hall-Hittner syndrome. Identifiers: Orphanet 138, MedGen C0265354, MONDO:0008965.

Submissions (2):

Clinical Genetics Laboratory, Skane University Hospital Lund
Classification: Pathogenic. Last evaluated: 2023-12-18. Review status: criteria provided, single submitter. Criteria: ACMG Guidelines, 2015. Collection method: clinical testing. Allele origin: germline. Affected: yes.

Labcorp Genetics (formerly Invitae), Labcorp
Classification: Pathogenic for CHARGE syndrome. Last evaluated: 2022-03-27. Review status: criteria provided, single submitter. Criteria: Invitae Variant Classification Sherloc (09022015). Collection method: clinical testing. Allele origin: germline.
Comment: For these reasons, this variant has been classified as Pathogenic. ClinVar contains an entry for this variant (Variation ID: 1072855). This premature translational stop signal has been observed in individual(s) with clinical features of CHARGE syndrome (PMID: 22461308). This variant is not present in population databases (gnomAD no frequency). This sequence change creates a premature translational stop signal (p.His903Ilefs*3) in the CHD7 gene. It is expected to result in an absent or disrupted protein product. Loss-of-function variants in CHD7 are known to be pathogenic (PMID: 22461308, 25077900).

Literature cited by the submitters: PubMed 22461308 (cited by Labcorp Genetics (formerly Invitae), Labcorp); PubMed 25077900 (cited by Labcorp Genetics (formerly Invitae), Labcorp).